The following is an entry in ClinVar:

NM_001135556.2(DYNC1I1):c.1215G>A (p.Met405Ile)

Gene: DYNC1I1 (dynein cytoplasmic 1 intermediate chain 1; plus strand). Cytogenetic location: 7q21.3.
Variant type: single nucleotide variant.
Coding change: c.1215G>A on transcript NM_001135556.2 (MANE Select); coding-DNA position 1215, G replaced by A.
Protein change: p.Met405Ile; replaces methionine 405 with isoleucine.
Molecular consequence: missense variant.
Genome position (GRCh38, 1-based): chr7:96,032,765, G>A. VCF-style: chr7-96032765-G-A. GRCh37 (hg19) VCF-style: chr7-95662077-G-A.
Other names: c.1155G>A, p.Met385Ile (NM_001135557.2, NM_001278422.2); c.1206G>A, p.Met402Ile (NM_001278421.2); c.1266G>A, p.Met422Ile (NM_004411.5); short protein forms M422I, M402I, M405I, M385I.
Identifiers: ClinVar variation 1435120 (VCV001435120.8), dbSNP rs1794843451, ClinGen allele CA368405744.

ClinVar aggregate classification (germline): Uncertain significance (1 of 4 stars; one submission).

gnomAD v4.1: 1 of 1,613,090 alleles (0.000062%); highest among the groups gnomAD compares: Admixed American, 0.0017%; no homozygotes.

Submission:

Labcorp Genetics (formerly Invitae), Labcorp
Classification: Uncertain significance. Last evaluated: 2021-07-06. Review status: criteria provided, single submitter. Criteria: Invitae Variant Classification Sherloc (09022015). Collection method: clinical testing. Allele origin: germline.
Comment: This sequence change replaces methionine with isoleucine at codon 422 of the DYNC1I1 protein (p.Met422Ile). The methionine residue is moderately conserved and there is a small physicochemical difference between methionine and isoleucine. This variant is not present in population databases (ExAC no frequency). This variant has not been reported in the literature in individuals affected with DYNC1I1-related conditions. Algorithms developed to predict the effect of missense changes on protein structure and function are either unavailable or do not agree on the potential impact of this missense change (SIFT: "Tolerated"; PolyPhen-2: "Probably Damaging"; Align-GVGD: "Class C0"). In summary, the available evidence is currently insufficient to determine the role of this variant in disease. Therefore, it has been classified as a Variant of Uncertain Significance.